The following is an entry in ClinVar:

ClinVar aggregate classification (germline): Uncertain significance (1 of 4 stars; one submission).

Submission:

Labcorp Genetics (formerly Invitae), Labcorp
Classification: Uncertain significance. Last evaluated: 2021-06-06. Review status: criteria provided, single submitter. Criteria: Invitae Variant Classification Sherloc (09022015). Collection method: clinical testing. Allele origin: germline.
Comment: In summary, the available evidence is currently insufficient to determine the role of this variant in disease. Therefore, it has been classified as a Variant of Uncertain Significance. Experimental studies and prediction algorithms are not available or were not evaluated, and the functional significance of this variant is currently unknown. This variant has not been reported in the literature in individuals with FOXI3-related conditions. This variant is not present in population databases (ExAC no frequency). This sequence change replaces serine with arginine at codon 178 of the FOXI3 protein (p.Ser178Arg). The serine residue is weakly conserved and there is a moderate physicochemical difference between serine and arginine.

NM_001135649.3(FOXI3):c.534C>G (p.Ser178Arg)

Gene: FOXI3 (forkhead box I3; minus strand). Cytogenetic location: 2p11.2.
Variant type: single nucleotide variant.
Coding change: c.534C>G on transcript NM_001135649.3 (MANE Select); coding-DNA position 534, C replaced by G.
Protein change: p.Ser178Arg; replaces serine 178 with arginine.
Molecular consequence: missense variant.
Genome position (GRCh38, 1-based): chr2:88,452,002, G>C on the plus strand (C>G on the coding strand, the complement: FOXI3 is on the minus strand). VCF-style: chr2-88452002-G-C. GRCh37 (hg19) VCF-style: chr2-88751521-G-C.
Other names: short protein forms S178R.
Identifiers: ClinVar variation 1471638 (VCV001471638.6), dbSNP rs2104263530, ClinGen allele CA347766136.